The following is an entry in ClinVar:

ClinVar aggregate classification (germline): Uncertain significance (1 of 4 stars; one submission).

Submission:

Ambry Genetics
Classification: Uncertain significance. Last evaluated: 2026-05-14. Review status: criteria provided, single submitter. Criteria: Ambry Variant Classification Scheme 2023. Collection method: clinical testing. Allele origin: germline.
Comment: The p.P108L variant (also known as c.323C>T), located in coding exon 1 of the WNK2 gene, results from a C to T substitution at nucleotide position 323. The proline at codon 108 is replaced by leucine, an amino acid with similar properties. This amino acid position is conserved. In addition, this alteration is predicted to be tolerated by in silico analysis. Based on the available evidence, the clinical significance of this variant remains unclear.

NM_006648.4(WNK2):c.323C>T (p.Pro108Leu)

Gene: WNK2 (WNK lysine deficient protein kinase 2; plus strand). Cytogenetic location: 9q22.31.
Variant type: single nucleotide variant.
Coding change: c.323C>T on transcript NM_006648.4 (MANE Select); coding-DNA position 323, C replaced by T.
Protein change: p.Pro108Leu; replaces proline 108 with leucine.
Molecular consequence: missense variant.
Genome position (GRCh38, 1-based): chr9:93,185,252, C>T. VCF-style: chr9-93185252-C-T. GRCh37 (hg19) VCF-style: chr9-95947534-C-T.
Other names: c.323C>T, p.Pro108Leu (NM_001282394.3); short protein forms P108L.
Identifiers: ClinVar variation 4866650 (VCV004866650.1).